The following is an entry in ClinVar:

ClinVar aggregate classification (germline): Likely benign. Review status: criteria provided, multiple submitters, no conflicts (2 of 4 stars). 2 submissions from 2 submitters: Likely benign (2). Last evaluated 2023-03-01.

Allele frequency attached by ClinVar (database versions not stated): gnomAD exomes 0.00158 and 0.00207; ESP Exome Variant Server 0.00231; gnomAD 0.00243 and 0.00245; TOPMed 0.00253; ExAC 0.00257; 1000 Genomes Project 30x 0.00359; 1000 Genomes Project 0.00379.
gnomAD v4.1: 2,701 of 1,610,464 alleles (0.17%); highest among the groups gnomAD compares: African/African-American, 0.62%; 13 homozygotes.

Submissions (2):

CeGaT Center for Human Genetics Tuebingen
Classification: Likely benign. Last evaluated: 2023-03-01. Review status: criteria provided, single submitter. Criteria: CeGaT Center For Human Genetics Tuebingen Variant Classification Criteria Version 2. Collection method: clinical testing. Allele origin: germline. Affected: yes. Observed: 1 variant allele.
Comment: AMZ1: BS2

Labcorp Genetics (formerly Invitae), Labcorp
Classification: Likely benign. Last evaluated: 2018-06-15. Review status: criteria provided, single submitter. Criteria: Invitae Variant Classification Sherloc (09022015). Collection method: clinical testing. Allele origin: germline.

NM_001384743.1(AMZ1):c.1181C>T (p.Pro394Leu)

Gene: AMZ1 (archaelysin family metallopeptidase 1; plus strand). Cytogenetic location: 7p22.3.
Variant type: single nucleotide variant.
Coding change: c.1181C>T on transcript NM_001384743.1 (MANE Select); coding-DNA position 1181, C replaced by T.
Protein change: p.Pro394Leu; replaces proline 394 with leucine.
Molecular consequence: missense variant. On other transcripts: 3 prime UTR variant (1), intron variant (4).
Genome position (GRCh38, 1-based): chr7:2,712,562, C>T. VCF-style: chr7-2712562-C-T. GRCh37 (hg19) VCF-style: chr7-2752196-C-T.
Other names: c.*117C>T (NM_001284355.4); c.1112C>T, p.Pro371Leu (NM_001384739.1); c.1181C>T, p.Pro394Leu (NM_133463.4); c.778+2746C>T (NM_001384742.1, NM_001384741.1); c.948+2746C>T (NM_001321766.2, NM_001384740.1); short protein forms P394L, P371L.
Identifiers: ClinVar variation 720653 (VCV000720653.27), dbSNP rs148936052, ClinGen allele CA4131144.